The following is an entry in ClinVar:

NM_032638.5(GATA2):c.1128C>G (p.Tyr376Ter)

Gene: GATA2 (GATA binding protein 2; minus strand). Cytogenetic location: 3q21.3.
Variant type: single nucleotide variant.
Coding change: c.1128C>G on transcript NM_032638.5 (MANE Select); coding-DNA position 1128, C replaced by G.
Protein change: p.Tyr376Ter; replaces tyrosine 376 with a stop codon.
Molecular consequence: nonsense.
Genome position (GRCh38, 1-based): chr3:128,481,834, G>C on the plus strand (C>G on the coding strand, the complement: GATA2 is on the minus strand). VCF-style: chr3-128481834-G-C. GRCh37 (hg19) VCF-style: chr3-128200677-G-C.
Other names: c.1128C>G, p.Tyr376Ter (NM_001145661.2); c.1086C>G, p.Tyr362Ter (NM_001145662.1); short protein forms Y362*, Y376*.
Identifiers: ClinVar variation 1184192 (VCV001184192.1), dbSNP rs750890699, ClinGen allele CA354413480.

ClinVar aggregate classification (germline): Pathogenic (1 of 4 stars; one submission).

Conditions:
Deafness-lymphedema-leukemia syndrome. Also called: Emberger syndrome; Lymphedema, primary, with myelodysplasia. Identifiers: Orphanet 3226, MedGen C3279664, MONDO:0013540, OMIM 614038.
GATA2 deficiency with susceptibility to MDS/AML. Identifiers: MedGen CN300066, MONDO:0042982.

Submission:

Molecular Pathology Research Laboratory, SA Pathology
Classification: Pathogenic for GATA2 deficiency with susceptibility to MDS/AML; Deafness-lymphedema-leukemia syndrome. Last evaluated: 2021-07-06. Review status: criteria provided, single submitter. Criteria: ACMG Guidelines, 2015. Collection method: curation. Allele origin: de novo. Inheritance: Autosomal dominant inheritance. Affected: yes. Observed: 1 variant allele.
Comment: PVS1, PS2, PS4_Supporting, PM2

Literature cited by the submitters: PubMed 26702063.